The following is an entry in ClinVar:

ClinVar aggregate classification (germline): Uncertain significance (1 of 4 stars; one submission).

Conditions:
Inborn genetic diseases. Identifiers: MedGen C0950123, MeSH D030342.

Allele frequency attached by ClinVar (database versions not stated): gnomAD exomes below 0.00001; gnomAD 0.00001; TOPMed 0.00001.
gnomAD v4.1: 4 of 1,613,960 alleles (0.00025%); highest among the groups gnomAD compares: African/African-American, 0.0013%; no homozygotes.

Submission:

Ambry Genetics
Classification: Uncertain significance for Inborn genetic diseases. Last evaluated: 2022-11-04. Review status: criteria provided, single submitter. Criteria: Ambry Variant Classification Scheme 2023. Collection method: clinical testing. Allele origin: germline.
Comment: The p.H1862R variant (also known as c.5585A>G), located in coding exon 33 of the ATR gene, results from an A to G substitution at nucleotide position 5585. The histidine at codon 1862 is replaced by arginine, an amino acid with highly similar properties. This amino acid position is conserved. In addition, this alteration is predicted to be deleterious by in silico analysis. Since supporting evidence is limited at this time, the clinical significance of this alteration remains unclear.

NM_001184.4(ATR):c.5585A>G (p.His1862Arg)

Gene: ATR (ATR checkpoint kinase; minus strand). Cytogenetic location: 3q23.
Variant type: single nucleotide variant.
Coding change: c.5585A>G on transcript NM_001184.4 (MANE Select); coding-DNA position 5585, A replaced by G.
Protein change: p.His1862Arg; replaces histidine 1862 with arginine.
Molecular consequence: missense variant.
Genome position (GRCh38, 1-based): chr3:142,497,166, T>C on the plus strand (A>G on the coding strand, the complement: ATR is on the minus strand). VCF-style: chr3-142497166-T-C. GRCh37 (hg19) VCF-style: chr3-142216008-T-C.
Other names: c.5393A>G, p.His1798Arg (NM_001354579.2); short protein forms H1862R, H1798R.
Identifiers: ClinVar variation 2447380 (VCV002447380.2), dbSNP rs1380208283, ClinGen allele CA354814990.